The following continues an entry in ClinVar:

NM_000059.4(BRCA2):c.2229T>C (p.His743=)

Gene: BRCA2. ClinVar aggregate classification (germline): Benign. Benign (1).

Submissions 21 to 34 of 34:

Genome Diagnostics Laboratory, University Medical Center Utrecht
Classification: Benign for Breast-ovarian cancer, familial, susceptibility to, 2. Last evaluated: 2014-10-10. Review status: criteria provided, single submitter. Criteria: ACGS Guidelines, 2013. Collection method: clinical testing. Allele origin: germline. Affected: yes. Study: VKGL Data-share Consensus. Not counted in ClinVar's aggregate classification.

Women's Health and Genetics/Laboratory Corporation of America, LabCorp
Classification: Benign for Hereditary breast ovarian cancer syndrome. Last evaluated: 2014-01-13. Review status: criteria provided, single submitter. Criteria: LabCorp Variant Classification Summary - May 2015. Collection method: clinical testing. Allele origin: germline. Not counted in ClinVar's aggregate classification.

GeneDx
Classification: Benign. Last evaluated: 2013-09-27. Review status: criteria provided, single submitter. Criteria: GeneDx Variant Classification (06012015). Collection method: clinical testing. Allele origin: germline. Affected: yes. Not counted in ClinVar's aggregate classification.
Comment: This variant is considered likely benign or benign based on one or more of the following criteria: it is a conservative change, it occurs at a poorly conserved position in the protein, it is predicted to be benign by multiple in silico algorithms, and/or has population frequency not consistent with disease.

Breakthrough Genomics
Classification: Benign. Review status: criteria provided, single submitter. Criteria: ACMG Guidelines, 2015. Collection method: not provided. Allele origin: germline. Inheritance: Autosomal recessive inheritance. Affected: yes. Not counted in ClinVar's aggregate classification.

GreenArray Genomic Research & Solutions of Accurate Diagnostic Private Limited
Classification: Benign for Breast-ovarian cancer, familial, susceptibility to, 2. Review status: criteria provided, single submitter. Criteria: ACMG Guidelines, 2015. Collection method: clinical testing. Allele origin: germline. Affected: no. Not counted in ClinVar's aggregate classification.

PreventionGenetics, part of Exact Sciences
Classification: Benign. Review status: criteria provided, single submitter. Criteria: ACMG Guidelines, 2015. Collection method: clinical testing. Allele origin: germline. Not counted in ClinVar's aggregate classification.

Mayo Clinic Laboratories, Mayo Clinic
Classification: Benign. Last evaluated: 2017-03-06. Review status: no assertion criteria provided. Collection method: clinical testing. Allele origin: unknown. Not counted in ClinVar's aggregate classification.

Counsyl
Classification: Benign for Breast-ovarian cancer, familial 2. Last evaluated: 2014-01-02. Review status: no assertion criteria provided. Collection method: literature only. Allele origin: unknown. Inheritance: Autosomal dominant inheritance. Not counted in ClinVar's aggregate classification.
Comment: High frequency in a 1kG or ESP population: 3.7 %. This submission and the accompanying classification are no longer maintained by the submitter.

Sharing Clinical Reports Project (SCRP)
Classification: Benign for Breast-ovarian cancer, familial 2. Last evaluated: 2011-03-15. Review status: no assertion criteria provided. Collection method: clinical testing. Allele origin: germline. Not counted in ClinVar's aggregate classification.

Breast Cancer Information Core (BIC) (BRCA2)
No classification provided. Condition: Breast-ovarian cancer, familial 2. Review status: no classification provided. Collection method: clinical testing. Allele origin: germline. Affected: yes. Observed: 42 variant alleles. Not counted in ClinVar's aggregate classification.

Clinical Genetics Laboratory, Department of Pathology, Netherlands Cancer Institute
Classification: Benign. Review status: no assertion criteria provided. Collection method: clinical testing. Allele origin: germline. Affected: yes. Study: VKGL Data-share Consensus. Not counted in ClinVar's aggregate classification.

Department of Pathology and Laboratory Medicine, Sinai Health System
Classification: Benign. Review status: no assertion criteria provided. Collection method: clinical testing. Allele origin: unknown. Affected: yes. Study: The Canadian Open Genetics Repository (COGR). Not counted in ClinVar's aggregate classification.

Diagnostic Laboratory, Department of Genetics, University Medical Center Groningen
Classification: Benign for Breast-ovarian cancer, familial, susceptibility to, 2. Review status: no assertion criteria provided. Collection method: clinical testing. Allele origin: germline. Affected: yes. Study: VKGL Data-share Consensus. Not counted in ClinVar's aggregate classification.

Joint Genome Diagnostic Labs from Nijmegen and Maastricht, Radboudumc and MUMC+
Classification: Benign. Review status: no assertion criteria provided. Collection method: clinical testing. Allele origin: germline. Affected: yes. Study: VKGL Data-share Consensus. Not counted in ClinVar's aggregate classification.

Literature cited by the submitters: DOI 10.3389/fgene.2022.834265 (cited by National Health Laboratory Service, Universitas Academic Hospital and University of the Free State); PubMed 36329109 (cited by Genetics Program, Instituto Nacional de Cancer); PubMed 9971877 (cited by Women's Health and Genetics/Laboratory Corporation of America, LabCorp); PubMed 21232165 (cited by Women's Health and Genetics/Laboratory Corporation of America, LabCorp).